The following is an entry in ClinVar:

NM_001042492.3(NF1):c.3818C>A (p.Thr1273Asn)

Gene: NF1 (neurofibromin 1; plus strand). Cytogenetic location: 17q11.2.
Variant type: single nucleotide variant.
Coding change: c.3818C>A on transcript NM_001042492.3 (MANE Select); coding-DNA position 3818, C replaced by A.
Protein change: p.Thr1273Asn; replaces threonine 1273 with asparagine.
Molecular consequence: missense variant.
Genome position (GRCh38, 1-based): chr17:31,235,720, C>A. VCF-style: chr17-31235720-C-A. GRCh37 (hg19) VCF-style: chr17-29562738-C-A.
Other names: c.3818C>A, p.Thr1273Asn (NM_000267.4); short protein forms T1273N.
Identifiers: ClinVar variation 2700977 (VCV002700977.3), dbSNP rs2151437962, ClinGen allele CA398992719.

ClinVar aggregate classification (germline): Uncertain significance (1 of 4 stars; one submission).

Conditions:
Neurofibromatosis, type 1 (NF1). Also called: Peripheral type neurofibromatosis; VON RECKLINGHAUSEN DISEASE; Neurofibromatosis, type I; NEUROFIBROMATOSIS, TYPE I, SOMATIC. Identifiers: Orphanet 636, MedGen C0027831, MONDO:0018975, OMIM 162200. Disease mechanism: loss of function.

Submission:

Labcorp Genetics (formerly Invitae), Labcorp
Classification: Uncertain significance for Neurofibromatosis, type 1. Last evaluated: 2023-12-08. Review status: criteria provided, single submitter. Criteria: Invitae Variant Classification Sherloc (09022015). Collection method: clinical testing. Allele origin: germline.
Comment: This sequence change replaces threonine, which is neutral and polar, with asparagine, which is neutral and polar, at codon 1273 of the NF1 protein (p.Thr1273Asn). This variant is not present in population databases (gnomAD no frequency). This variant has not been reported in the literature in individuals affected with NF1-related conditions. Advanced modeling of protein sequence and biophysical properties (such as structural, functional, and spatial information, amino acid conservation, physicochemical variation, residue mobility, and thermodynamic stability) performed at Invitae indicates that this missense variant is expected to disrupt NF1 protein function with a positive predictive value of 95%. In summary, the available evidence is currently insufficient to determine the role of this variant in disease. Therefore, it has been classified as a Variant of Uncertain Significance.